The following is an entry in ClinVar:

NM_030662.4(MAP2K2):c.792G>T (p.Arg264Ser)

Gene: MAP2K2 (mitogen-activated protein kinase kinase 2; minus strand). Cytogenetic location: 19p13.3.
Variant type: single nucleotide variant.
Coding change: c.792G>T on transcript NM_030662.4 (MANE Select); coding-DNA position 792, G replaced by T.
Protein change: p.Arg264Ser; replaces arginine 264 with serine.
Molecular consequence: missense variant.
Genome position (GRCh38, 1-based): chr19:4,099,328, C>A on the plus strand (G>T on the coding strand, the complement: MAP2K2 is on the minus strand). VCF-style: chr19-4099328-C-A. GRCh37 (hg19) VCF-style: chr19-4099326-C-A.
Other names: short protein forms R264S.
Identifiers: ClinVar variation 3572456 (VCV003572456.1).
Genomic context (GRCh38, chr19:4,099,328, plus strand): 5'-GACCACGGGCCGGCCAAAGATGGCCTCCAGCTCTTTGGCGTCGGGCGGGGGGATGGGGTA[C>A]CTTCCGACGGCCAGCTCCACCAGGGACAGGCCCATGCTCCAGATGTCCGACTGCACCGAG-3'
Protein context (NP_109587.1, residues 254-274): GLSLVELAVG[Arg264Ser]YPIPPPDAKE

ClinVar aggregate classification (germline): Uncertain significance (1 of 4 stars; one submission).

Submission:

GeneDx
Classification: Uncertain significance. Last evaluated: 2024-07-13. Review status: criteria provided, single submitter. Criteria: GeneDx Variant Classification Process June 2021. Collection method: clinical testing. Allele origin: germline. Affected: yes.
Comment: Not observed at significant frequency in large population cohorts (gnomAD); Missense variants in this gene are a common cause of disease and they are underrepresented in the general population; In silico analysis supports that this missense variant has a deleterious effect on protein structure/function; Has not been previously published as pathogenic or benign to our knowledge